The following is an entry in ClinVar:

NM_000264.5(PTCH1):c.3024T>A (p.Ser1008Arg)

Gene: PTCH1 (patched 1; minus strand). Cytogenetic location: 9q22.32.
Variant type: single nucleotide variant.
Coding change: c.3024T>A on transcript NM_000264.5 (MANE Select); coding-DNA position 3024, T replaced by A.
Protein change: p.Ser1008Arg; replaces serine 1008 with arginine.
Molecular consequence: missense variant. On other transcripts: non-coding transcript variant (1).
Genome position (GRCh38, 1-based): chr9:95,458,157, A>T on the plus strand (T>A on the coding strand, the complement: PTCH1 is on the minus strand). VCF-style: chr9-95458157-A-T. GRCh37 (hg19) VCF-style: chr9-98220439-A-T.
Other names: c.2826T>A, p.Ser942Arg (NM_001083602.3); c.3021T>A, p.Ser1007Arg (NM_001083603.3); c.2571T>A, p.Ser857Arg (NM_001083604.3, NM_001083605.3, NM_001083606.3 and 1 more transcripts); c.2868T>A, p.Ser956Arg (NM_001354918.2); short protein forms S1008R, S956R, S942R, S1007R, S857R.
Identifiers: ClinVar variation 3427296 (VCV003427296.1).
Genomic context (GRCh38, chr9:95,458,157, plus strand): 5'-CAGCCAGTGGCGGAGGCCGATGTACTGCTCCCAGAAGAGGAAGGGGTAGCCGTTGGGGTA[A>T]CTGGACAGCCCCAGGCTCGTATAGTTGCTGCAGATGGTCCTTACTTTTTCAATTGCCTCC-3'
Protein context (NP_000255.2, residues 998-1018): CSNYTSLGLS[Ser1008Arg]YPNGYPFLFW

ClinVar aggregate classification (germline): Uncertain significance (1 of 4 stars; one submission).

Conditions:
Hereditary cancer-predisposing syndrome. Also called: Neoplastic Syndromes, Hereditary; Tumor predisposition; Hereditary Cancer Syndrome; Hereditary neoplastic syndrome. Identifiers: Orphanet 140162, MedGen C0027672, MeSH D009386, MONDO:0015356.

Submission:

Ambry Genetics
Classification: Uncertain significance for Hereditary cancer-predisposing syndrome. Last evaluated: 2024-10-11. Review status: criteria provided, single submitter. Criteria: Ambry Variant Classification Scheme 2023. Collection method: clinical testing. Allele origin: germline.
Comment: The p.S1008R variant (also known as c.3024T>A), located in coding exon 18 of the PTCH1 gene, results from a T to A substitution at nucleotide position 3024. The serine at codon 1008 is replaced by arginine, an amino acid with dissimilar properties. This amino acid position is conserved. In addition, this alteration is predicted to be deleterious by in silico analysis. Based on the available evidence, the clinical significance of this variant remains unclear.